The following is an entry in ClinVar:

NM_001379286.1(ZNF423):c.3485G>A (p.Arg1162Gln)

Gene: ZNF423 (zinc finger protein 423; minus strand). Cytogenetic location: 16q12.1.
Variant type: single nucleotide variant.
Coding change: c.3485G>A on transcript NM_001379286.1 (MANE Select); coding-DNA position 3485, G replaced by A.
Protein change: p.Arg1162Gln; replaces arginine 1162 with glutamine.
Molecular consequence: missense variant.
Genome position (GRCh38, 1-based): chr16:49,635,691, C>T on the plus strand (G>A on the coding strand, the complement: ZNF423 is on the minus strand). VCF-style: chr16-49635691-C-T. GRCh37 (hg19) VCF-style: chr16-49669602-C-T.
Other names: c.3461G>A (NM_015069.4); c.3281G>A, p.Arg1094Gln (NM_001271620.2); c.3110G>A, p.Arg1037Gln (NM_001330533.2); c.3461G>A, p.Arg1154Gln (NM_015069.5); short protein forms R1037Q, R1154Q, R1162Q, R1094Q.
Identifiers: ClinVar variation 4929726 (VCV004929726.2).

ClinVar aggregate classification (germline): Uncertain significance. Review status: criteria provided, multiple submitters, no conflicts (2 of 4 stars). 2 submissions from 2 submitters: Uncertain significance (2). Last evaluated 2026-07-20.

Conditions:
ZNF423-related disorder. Also called: ZNF423-related condition.

gnomAD v4.1: 42 of 1,590,668 alleles (0.0026%); highest among the groups gnomAD compares: East Asian, 0.0045%; no homozygotes.

Submissions (2):

PreventionGenetics, part of Exact Sciences
Classification: Uncertain significance for ZNF423-related condition. Last evaluated: 2026-07-20. Review status: criteria provided, single submitter. Criteria: ACMG Guidelines, 2015. Collection method: clinical testing. Allele origin: germline.
Comment: The ZNF423 c.3461G>A variant is predicted to result in the amino acid substitution p.Arg1154Gln. To our knowledge, this variant has not been reported in the literature. This variant is reported in 0.011% of alleles in individuals of East Asian descent in gnomAD. At this time, the clinical significance of this variant is uncertain due to the absence of conclusive functional and genetic evidence.

Blueprint Genetics
Classification: Uncertain significance. Last evaluated: 2024-10-17. Review status: criteria provided, single submitter. Criteria: ACMG Guidelines, 2015. Collection method: clinical testing. Allele origin: germline.